The following is an entry in ClinVar:

NM_001031689.3(PLAA):c.2374C>A (p.Leu792Ile)

Gene: PLAA (phospholipase A2 activating protein; minus strand). Cytogenetic location: 9p21.2.
Variant type: single nucleotide variant.
Coding change: c.2374C>A on transcript NM_001031689.3 (MANE Select); coding-DNA position 2374, C replaced by A.
Protein change: p.Leu792Ile; replaces leucine 792 with isoleucine.
Molecular consequence: missense variant.
Genome position (GRCh38, 1-based): chr9:26,905,525, G>T on the plus strand (C>A on the coding strand, the complement: PLAA is on the minus strand). VCF-style: chr9-26905525-G-T. GRCh37 (hg19) VCF-style: chr9-26905523-G-T.
Other names: c.2305C>A, p.Leu769Ile (NM_001321546.2); short protein forms L769I, L792I.
Identifiers: ClinVar variation 1939071 (VCV001939071.5), dbSNP rs960134042, ClinGen allele CA191292724.

ClinVar aggregate classification (germline): Uncertain significance (1 of 4 stars; one submission).

Allele frequency attached by ClinVar (database versions not stated): TOPMed below 0.00001; gnomAD 0.00001.
gnomAD v4.1: 11 of 1,606,400 alleles (0.00068%); highest among the groups gnomAD compares: Admixed American, 0.0017%; no homozygotes.

Submission:

Labcorp Genetics (formerly Invitae), Labcorp
Classification: Uncertain significance. Last evaluated: 2022-04-24. Review status: criteria provided, single submitter. Criteria: Invitae Variant Classification Sherloc (09022015). Collection method: clinical testing. Allele origin: germline.
Comment: Algorithms developed to predict the effect of missense changes on protein structure and function (SIFT, PolyPhen-2, Align-GVGD) all suggest that this variant is likely to be tolerated. This sequence change replaces leucine, which is neutral and non-polar, with isoleucine, which is neutral and non-polar, at codon 792 of the PLAA protein (p.Leu792Ile). This variant is not present in population databases (gnomAD no frequency). This variant has not been reported in the literature in individuals affected with PLAA-related conditions. In summary, the available evidence is currently insufficient to determine the role of this variant in disease. Therefore, it has been classified as a Variant of Uncertain Significance.